The following is an entry in ClinVar:

NM_152703.5(SAMD9L):c.2759A>T (p.Gln920Leu)

Gene: SAMD9L (sterile alpha motif domain containing 9 like; minus strand). Cytogenetic location: 7q21.2.
Variant type: single nucleotide variant.
Coding change: c.2759A>T on transcript NM_152703.5 (MANE Select); coding-DNA position 2759, A replaced by T.
Protein change: p.Gln920Leu; replaces glutamine 920 with leucine.
Molecular consequence: missense variant.
Genome position (GRCh38, 1-based): chr7:93,133,213, T>A on the plus strand (A>T on the coding strand, the complement: SAMD9L is on the minus strand). VCF-style: chr7-93133213-T-A. GRCh37 (hg19) VCF-style: chr7-92762526-T-A.
Other names: c.2759A>T, p.Gln920Leu (NM_001303496.3, NM_001303497.3, NM_001303498.3 and 5 more transcripts); short protein forms Q920L.
Identifiers: ClinVar variation 3792262 (VCV003792262.1).

ClinVar aggregate classification (germline): Uncertain significance (1 of 4 stars; one submission).

Conditions:
Inborn genetic diseases. Identifiers: MedGen C0950123, MeSH D030342.

Submission:

Ambry Genetics
Classification: Uncertain significance for Inborn genetic diseases. Last evaluated: 2024-12-31. Review status: criteria provided, single submitter. Criteria: Ambry Variant Classification Scheme 2023. Collection method: clinical testing. Allele origin: germline.
Comment: The p.Q920L variant (also known as c.2759A>T), located in coding exon 1 of the SAMD9L gene, results from an A to T substitution at nucleotide position 2759. The glutamine at codon 920 is replaced by leucine, an amino acid with dissimilar properties. This amino acid position is conserved. In addition, this alteration is predicted to be tolerated by in silico analysis. Based on the available evidence, the clinical significance of this variant remains unclear.